The following is an entry in ClinVar:

ClinVar aggregate classification (germline): Uncertain significance (1 of 4 stars; one submission).

Conditions:
Hereditary cancer-predisposing syndrome. Also called: Hereditary neoplastic syndrome; Neoplastic Syndromes, Hereditary; Tumor predisposition; Hereditary Cancer Syndrome. Identifiers: Orphanet 140162, MedGen C0027672, MeSH D009386, MONDO:0015356.

Submission:

Ambry Genetics
Classification: Uncertain significance for Hereditary cancer-predisposing syndrome. Last evaluated: 2025-08-10. Review status: criteria provided, single submitter. Criteria: Ambry Variant Classification Scheme 2023. Collection method: clinical testing. Allele origin: germline.
Comment: The p.P224R variant (also known as c.671C>G), located in coding exon 3 of the PHOX2B gene, results from a C to G substitution at nucleotide position 671. The proline at codon 224 is replaced by arginine, an amino acid with dissimilar properties. This amino acid position is conserved. In addition, this alteration is predicted to be tolerated by in silico analysis. Based on the available evidence, the clinical significance of this variant remains unclear.

NM_003924.4(PHOX2B):c.671C>G (p.Pro224Arg)

Gene: PHOX2B (paired like homeobox 2B; minus strand). Cytogenetic location: 4p13.
Variant type: single nucleotide variant.
Coding change: c.671C>G on transcript NM_003924.4 (MANE Select); coding-DNA position 671, C replaced by G.
Protein change: p.Pro224Arg; replaces proline 224 with arginine.
Molecular consequence: missense variant.
Genome position (GRCh38, 1-based): chr4:41,746,081, G>C on the plus strand (C>G on the coding strand, the complement: PHOX2B is on the minus strand). VCF-style: chr4-41746081-G-C. GRCh37 (hg19) VCF-style: chr4-41748098-G-C.
Other names: short protein forms P224R.
Identifiers: ClinVar variation 4136073 (VCV004136073.1).
Genomic context (GRCh38, chr4:41,746,081, plus strand): 5'-GCTGCTGCTGCGCCGCCCTTGCCGGGTTCGCCTCCCGGGCCCCCGGGCCCCGCCGCCCCC[G>C]GAGCTCCAGCCGGGCTGGGCCCGCCGCCGCCGCCTCCATTCGCCCCGCAGCTGGGGGTGG-3'
Protein context (NP_003915.2, residues 214-234): GGGGPSPAGA[Pro224Arg]GAAGPGGPGG